The following is an entry in ClinVar:

NM_001370466.1(NOD2):c.1874C>T (p.Ser625Leu)

Gene: NOD2 (nucleotide binding oligomerization domain containing 2; plus strand). Cytogenetic location: 16q12.1.
Variant type: single nucleotide variant.
Coding change: c.1874C>T on transcript NM_001370466.1 (MANE Select); coding-DNA position 1874, C replaced by T.
Protein change: p.Ser625Leu; replaces serine 625 with leucine.
Molecular consequence: missense variant. On other transcripts: non-coding transcript variant (1).
Genome position (GRCh38, 1-based): chr16:50,711,866, C>T. VCF-style: chr16-50711866-C-T. GRCh37 (hg19) VCF-style: chr16-50745777-C-T.
Other names: c.1874C>T, p.Ser625Leu (NM_001293557.2); c.1955C>T, p.Ser652Leu (NM_022162.3); short protein forms S652L, S625L.
Identifiers: ClinVar variation 1912511 (VCV001912511.19), dbSNP rs780773726, ClinGen allele CA8051654.

ClinVar aggregate classification (germline): Uncertain significance. Review status: criteria provided, multiple submitters, no conflicts (2 of 4 stars). 2 submissions from 2 submitters: Uncertain significance (2). Last evaluated 2024-09-01.

Conditions:
Blau syndrome (BLAUS). Also called: GRANULOMATOSIS, FAMILIAL JUVENILE SYSTEMIC; GRANULOMATOSIS, FAMILIAL, BLAU TYPE; GRANULOMATOUS INFLAMMATORY ARTHRITIS, DERMATITIS, AND UVEITIS, FAMILIAL; JABS SYNDROME; ARTHROCUTANEOUVEAL GRANULOMATOSIS. Identifiers: Orphanet 90340, MedGen C5201146, MONDO:0008523, OMIM 186580.
Regional enteritis. Also called: Enteritis, Granulomatous. Identifiers: MedGen C0678202, MeSH D003424.

Allele frequency attached by ClinVar (database versions not stated): gnomAD 0.00001; gnomAD exomes 0.00001; TOPMed 0.00001; ExAC 0.00002.
gnomAD v4.1: 13 of 1,611,176 alleles (0.00081%); highest among the groups gnomAD compares: African/African-American, 0.0013%; no homozygotes.

Submissions (2):

CeGaT Center for Human Genetics Tuebingen
Classification: Uncertain significance. Last evaluated: 2024-09-01. Review status: criteria provided, single submitter. Criteria: CeGaT Center For Human Genetics Tuebingen Variant Classification Criteria Version 2. Collection method: clinical testing. Allele origin: germline. Affected: yes. Observed: 1 variant allele.
Comment: NOD2: PM2, BP4

Labcorp Genetics (formerly Invitae), Labcorp
Classification: Uncertain significance for Regional enteritis; Blau syndrome. Last evaluated: 2023-01-20. Review status: criteria provided, single submitter. Criteria: Invitae Variant Classification Sherloc (09022015). Collection method: clinical testing. Allele origin: germline.
Comment: This variant has not been reported in the literature in individuals affected with NOD2-related conditions. In summary, the available evidence is currently insufficient to determine the role of this variant in disease. Therefore, it has been classified as a Variant of Uncertain Significance. Advanced modeling of protein sequence and biophysical properties (such as structural, functional, and spatial information, amino acid conservation, physicochemical variation, residue mobility, and thermodynamic stability) performed at Invitae indicates that this missense variant is not expected to disrupt NOD2 protein function. This variant is present in population databases (rs780773726, gnomAD 0.007%). This sequence change replaces serine, which is neutral and polar, with leucine, which is neutral and non-polar, at codon 652 of the NOD2 protein (p.Ser652Leu).